The following is an entry in ClinVar:

ClinVar aggregate classification (germline): Uncertain significance. Review status: criteria provided, multiple submitters, no conflicts (2 of 4 stars). 2 submissions from 2 submitters: Uncertain significance (2). Last evaluated 2025-09-10.

Conditions:
Intellectual developmental disorder, autosomal dominant 1. Also called: Intellectual disability, autosomal dominant 1; MBD5 Haploinsufficiency. Identifiers: Orphanet 228402, MedGen C1969562, MONDO:0007974, OMIM 156200.

Allele frequency attached by ClinVar (database versions not stated): gnomAD exomes below 0.00001.
gnomAD v4.1: 3 of 1,613,898 alleles (0.00019%); highest among the groups gnomAD compares: Middle Eastern, 0.033%; no homozygotes.

Submissions (2):

Genomic Medicine Center of Excellence, King Faisal Specialist Hospital and Research Centre
Classification: Uncertain significance for Intellectual developmental disorder, autosomal dominant 1. Last evaluated: 2025-09-10. Review status: criteria provided, single submitter. Criteria: ACMG Guidelines, 2015. Collection method: clinical testing. Allele origin: germline.

Labcorp Genetics (formerly Invitae), Labcorp
Classification: Uncertain significance for Intellectual developmental disorder, autosomal dominant 1. Last evaluated: 2021-09-01. Review status: criteria provided, single submitter. Criteria: Invitae Variant Classification Sherloc (09022015). Collection method: clinical testing. Allele origin: germline.
Comment: This sequence change replaces methionine with threonine at codon 623 of the MBD5 protein (p.Met623Thr). The methionine residue is highly conserved and there is a moderate physicochemical difference between methionine and threonine. This variant is not present in population databases (ExAC no frequency). This variant has not been reported in the literature in individuals affected with MBD5-related conditions. Algorithms developed to predict the effect of missense changes on protein structure and function are either unavailable or do not agree on the potential impact of this missense change (SIFT: "Deleterious"; PolyPhen-2: "Benign"; Align-GVGD: "Class C65"). In summary, the available evidence is currently insufficient to determine the role of this variant in disease. Therefore, it has been classified as a Variant of Uncertain Significance.

NM_001378120.1(MBD5):c.1868T>C (p.Met623Thr)

Gene: MBD5 (methyl-CpG binding domain protein 5; plus strand). Cytogenetic location: 2q23.1.
Variant type: single nucleotide variant.
Coding change: c.1868T>C on transcript NM_001378120.1 (MANE Select); coding-DNA position 1868, T replaced by C.
Protein change: p.Met623Thr; replaces methionine 623 with threonine.
Molecular consequence: missense variant.
Genome position (GRCh38, 1-based): chr2:148,469,811, T>C. VCF-style: chr2-148469811-T-C. GRCh37 (hg19) VCF-style: chr2-149227380-T-C.
Other names: c.1868T>C, p.Met623Thr (NM_018328.5); short protein forms M623T.
Identifiers: ClinVar variation 970158 (VCV000970158.7), dbSNP rs1036713038, ClinGen allele CA57579118.
Genomic context (GRCh38, chr2:148,469,811, plus strand): 5'-GCAATTCTGGAGCTGTTGCCGGCAGTGGCAACACTGAAGGACATAGCACTTTAAACACCA[T>C]GTTCCCTCCTACTGCCAACATGCTTCTCCCAACAGGTGAAGGGCAAAGTGGTCGAGCAGC-3'
Protein context (NP_001365049.1, residues 613-633): NTEGHSTLNT[Met623Thr]FPPTANMLLP